The following is an entry in ClinVar:

NM_016580.4(PCDH12):c.1553C>T (p.Thr518Ile)

Genes: PCDH12 (protocadherin 12; minus strand), RNF14 (ring finger protein 14; plus strand). Cytogenetic location: 5q31.3.
Variant type: single nucleotide variant.
Coding change: c.1553C>T on transcript NM_016580.4 (MANE Select); coding-DNA position 1553, C replaced by T.
Protein change: p.Thr518Ile; replaces threonine 518 with isoleucine.
Molecular consequence: missense variant.
Genome position (GRCh38, 1-based): chr5:141,956,299, G>A on the plus strand (C>T on the coding strand, the complement: PCDH12 is on the minus strand). VCF-style: chr5-141956299-G-A. GRCh37 (hg19) VCF-style: chr5-141335864-G-A.
Other names: c.1553C>T (NM_016580.2); short protein forms T518I.
Identifiers: ClinVar variation 2198746 (VCV002198746.4), dbSNP rs370933421, ClinGen allele CA3484386.

ClinVar aggregate classification (germline): Uncertain significance. Review status: criteria provided, multiple submitters, no conflicts (2 of 4 stars). 2 submissions from 2 submitters: Uncertain significance (2). Last evaluated 2025-02-10.

Conditions:
Inborn genetic diseases. Identifiers: MedGen C0950123, MeSH D030342.

Allele frequency attached by ClinVar (database versions not stated): ExAC 0.00002; gnomAD 0.00005; gnomAD exomes 0.00006; TOPMed 0.00007; ESP Exome Variant Server 0.00008.
gnomAD v4.1: 93 of 1,614,122 alleles (0.0058%); highest among the groups gnomAD compares: Admixed American, 0.012%; no homozygotes.

Submissions (2):

Ambry Genetics
Classification: Uncertain significance for Inborn genetic diseases. Last evaluated: 2025-02-10. Review status: criteria provided, single submitter. Criteria: Ambry Variant Classification Scheme 2023. Collection method: clinical testing. Allele origin: germline.

Labcorp Genetics (formerly Invitae), Labcorp
Classification: Uncertain significance. Last evaluated: 2024-04-30. Review status: criteria provided, single submitter. Criteria: Invitae Variant Classification Sherloc (09022015). Collection method: clinical testing. Allele origin: germline.
Comment: This sequence change replaces threonine, which is neutral and polar, with isoleucine, which is neutral and non-polar, at codon 518 of the PCDH12 protein (p.Thr518Ile). This variant is present in population databases (rs370933421, gnomAD 0.01%). This variant has not been reported in the literature in individuals affected with PCDH12-related conditions. ClinVar contains an entry for this variant (Variation ID: 2198746). Advanced modeling of protein sequence and biophysical properties (such as structural, functional, and spatial information, amino acid conservation, physicochemical variation, residue mobility, and thermodynamic stability) performed at Invitae indicates that this missense variant is not expected to disrupt PCDH12 protein function with a negative predictive value of 95%. In summary, the available evidence is currently insufficient to determine the role of this variant in disease. Therefore, it has been classified as a Variant of Uncertain Significance.